The following is an entry in ClinVar:

NM_004260.4(RECQL4):c.1451G>A (p.Gly484Glu)

Gene: RECQL4 (RecQ like helicase 4; minus strand). Cytogenetic location: 8q24.3.
Variant type: single nucleotide variant.
Coding change: c.1451G>A on transcript NM_004260.4 (MANE Select); coding-DNA position 1451, G replaced by A.
Protein change: p.Gly484Glu; replaces glycine 484 with glutamic acid.
Molecular consequence: missense variant. On other transcripts: 5 prime UTR variant (1), non-coding transcript variant (3).
Genome position (GRCh38, 1-based): chr8:144,515,182, C>T on the plus strand (G>A on the coding strand, the complement: RECQL4 is on the minus strand). VCF-style: chr8-144515182-C-T. GRCh37 (hg19) VCF-style: chr8-145740566-C-T.
Other names: c.1451G>A (NM_004260.3); c.1355G>A, p.Gly452Glu (NM_001413017.1, NM_001413020.1); c.1451G>A, p.Gly484Glu (NM_001413018.1, NM_001413019.1, NM_001413033.1 and 2 more transcripts); c.380G>A, p.Gly127Glu (NM_001413021.1, NM_001413022.1, NM_001413023.1 and 8 more transcripts); c.1322G>A, p.Gly441Glu (NM_001413025.1); c.314G>A, p.Gly105Glu (NM_001413027.1, NM_001413030.1, NM_001413031.1 and 2 more transcripts); c.1100G>A, p.Gly367Glu (NM_001413029.1); c.-17G>A (NM_001413043.1); short protein forms G367E, G127E, G441E, G484E, G105E, G452E.
Identifiers: ClinVar variation 2840281 (VCV002840281.4), dbSNP rs2130705862, ClinGen allele CA372684712.
Genomic context (GRCh38, chr8:144,515,182, plus strand): 5'-CAGCCTCAGCCCTGGCAGCCACGCTCACCAGACAGGATCCGCATGACTGCACGCTCCTGC[C>T]CAGGGCGAAAGGCTTGGTGCCCCAGCTGCTCCAGGGCCTGGAACACCTCAGCCGGCGTCT-3'
Protein context (NP_004251.4, residues 474-494): EQLGHQAFRP[Gly484Glu]QERAVMRILS

ClinVar aggregate classification (germline): Uncertain significance. Review status: criteria provided, multiple submitters, no conflicts (2 of 4 stars). 2 submissions from 2 submitters: Uncertain significance (2). Last evaluated 2024-12-03.

Conditions:
Baller-Gerold syndrome (BGS). Also called: CRANIOSYNOSTOSIS WITH RADIAL DEFECTS. Identifiers: Orphanet 1225, MedGen C0265308, MONDO:0009039, OMIM 218600.
Inborn genetic diseases. Identifiers: MedGen C0950123, MeSH D030342.

Submissions (2):

Ambry Genetics
Classification: Uncertain significance for Inborn genetic diseases. Last evaluated: 2024-12-03. Review status: criteria provided, single submitter. Criteria: Ambry Variant Classification Scheme 2023. Collection method: clinical testing. Allele origin: germline.
Comment: The p.G484E variant (also known as c.1451G>A), located in coding exon 8 of the RECQL4 gene, results from a G to A substitution at nucleotide position 1451. The glycine at codon 484 is replaced by glutamic acid, an amino acid with similar properties. This amino acid position is conserved. In addition, this alteration is predicted to be deleterious by in silico analysis. Based on the available evidence, the clinical significance of this variant remains unclear.

Labcorp Genetics (formerly Invitae), Labcorp
Classification: Uncertain significance for Baller-Gerold syndrome. Last evaluated: 2023-04-11. Review status: criteria provided, single submitter. Criteria: Invitae Variant Classification Sherloc (09022015). Collection method: clinical testing. Allele origin: germline.
Comment: This variant is not present in population databases (gnomAD no frequency). In summary, the available evidence is currently insufficient to determine the role of this variant in disease. Therefore, it has been classified as a Variant of Uncertain Significance. Advanced modeling of protein sequence and biophysical properties (such as structural, functional, and spatial information, amino acid conservation, physicochemical variation, residue mobility, and thermodynamic stability) performed at Invitae indicates that this missense variant is expected to disrupt RECQL4 protein function. This variant has not been reported in the literature in individuals affected with RECQL4-related conditions. This sequence change replaces glycine, which is neutral and non-polar, with glutamic acid, which is acidic and polar, at codon 484 of the RECQL4 protein (p.Gly484Glu).